The following is an entry in ClinVar:

NM_000435.3(NOTCH3):c.3945C>G (p.Cys1315Trp)

Gene: NOTCH3 (notch receptor 3; minus strand). Cytogenetic location: 19p13.12.
Variant type: single nucleotide variant.
Coding change: c.3945C>G on transcript NM_000435.3 (MANE Select); coding-DNA position 3945, C replaced by G.
Protein change: p.Cys1315Trp; replaces cysteine 1315 with tryptophan.
Molecular consequence: missense variant.
Genome position (GRCh38, 1-based): chr19:15,177,983, G>C on the plus strand (C>G on the coding strand, the complement: NOTCH3 is on the minus strand). VCF-style: chr19-15177983-G-C. GRCh37 (hg19) VCF-style: chr19-15288794-G-C.
Other names: short protein forms C1315W.
Identifiers: ClinVar variation 1709822 (VCV001709822.2), dbSNP rs1396345163, ClinGen allele CA404505998.

ClinVar aggregate classification (germline): Likely pathogenic (1 of 4 stars; one submission).

Conditions:
Cerebral arteriopathy, autosomal dominant, with subcortical infarcts and leukoencephalopathy, type 1 (CADASIL1). Also called: DEMENTIA, HEREDITARY MULTIINFARCT TYPE; CADASIL 1; CASIL; Cerebral arteriopathy with subcortical infarcts and leukoencephalopathy 1. Identifiers: Orphanet 136, MedGen C4551768, MONDO:0000914, OMIM 125310.

Allele frequency attached by ClinVar (database versions not stated): TOPMed below 0.00001.
gnomAD v4.1: 4 of 1,429,508 alleles (0.00028%); highest among the groups gnomAD compares: Non-Finnish European, 0.00037%; no homozygotes.

Submission:

MGZ Medical Genetics Center
Classification: Likely pathogenic for Cerebral arteriopathy, autosomal dominant, with subcortical infarcts and leukoencephalopathy, type 1. Last evaluated: 2021-08-11. Review status: criteria provided, single submitter. Criteria: ACMG Guidelines, 2015. Collection method: clinical testing. Allele origin: germline. Affected: yes. Observed: 1 variant allele.
Comment: ACMG criteria applied: PM1, PM5, PM2_SUP, PP3